The following is an entry in ClinVar:

ClinVar aggregate classification (germline): Likely pathogenic (1 of 4 stars; one submission).

Conditions:
Hereditary cancer-predisposing syndrome. Also called: Tumor predisposition; Neoplastic Syndromes, Hereditary; Hereditary Cancer Syndrome; Hereditary neoplastic syndrome. Identifiers: Orphanet 140162, MedGen C0027672, MeSH D009386, MONDO:0015356.

Submission:

Ambry Genetics
Classification: Likely pathogenic for Hereditary cancer-predisposing syndrome. Last evaluated: 2025-08-15. Review status: criteria provided, single submitter. Criteria: Ambry Variant Classification Scheme 2023. Collection method: clinical testing. Allele origin: germline.
Comment: The p.S133P variant (also known as c.397T>C), located in coding exon 5 of the MUTYH gene, results from a T to C substitution at nucleotide position 397. The serine at codon 133 is replaced by proline, an amino acid with similar properties. In a massively parallel cell-based functional assay testing 7,8-dihydro-8-oxoguanine:adenine (8OG:A) repair activity, a byproduct of oxidative damage, this variant was reported to be non-functional (Hemker SL et al. Am J Hum Genet. Published online July 29, 2025. DOI: 10.1016/j.ajhg.2025.07.005). This amino acid position is highly conserved in available vertebrate species. In addition, this alteration is predicted to be deleterious by in silico analysis. This variant is considered to be rare based on population cohorts in the Genome Aggregation Database (gnomAD). Based on the majority of available evidence to date, this variant is likely to be pathogenic.

Literature cited by the submitters: PubMed 40738107.

NM_001048174.2(MUTYH):c.313T>C (p.Ser105Pro)

Gene: MUTYH (mutY DNA glycosylase; minus strand). Cytogenetic location: 1p34.1.
Variant type: single nucleotide variant.
Coding change: c.313T>C on transcript NM_001048174.2 (MANE Select); coding-DNA position 313, T replaced by C.
Protein change: p.Ser105Pro; replaces serine 105 with proline.
Molecular consequence: missense variant. On other transcripts: intron variant (3), non-coding transcript variant (6).
Genome position (GRCh38, 1-based): chr1:45,333,162, A>G on the plus strand (T>C on the coding strand, the complement: MUTYH is on the minus strand). VCF-style: chr1-45333162-A-G. GRCh37 (hg19) VCF-style: chr1-45798834-A-G.
Other names: c.33+123T>C (NM_001407082.1, NM_001350651.2, NM_001350650.2); c.313T>C, p.Ser105Pro (NM_001048171.2, NM_001048173.2, NM_001293195.2 and 6 more transcripts); c.316T>C, p.Ser106Pro (NM_001048172.2, NM_001407071.1, NM_001407078.1 and 2 more transcripts); c.397T>C, p.Ser133Pro (NM_001128425.2); c.358T>C, p.Ser120Pro (NM_001293190.2); c.346T>C, p.Ser116Pro (NM_001293191.2, NM_001407077.1); c.37T>C, p.Ser13Pro (NM_001293192.2, NM_001293196.2, NM_001407091.1); c.388T>C, p.Ser130Pro (NM_001407069.1, NM_012222.3); and 3 more; short protein forms S116P, S130P, S105P, S106P, S112P, S119P, S120P, S133P.
Identifiers: ClinVar variation 3875924 (VCV003875924.2).
Genomic context (GRCh38, chr1:45,333,162, plus strand): 5'-TCCATCCGGTATAGTAGTTGATCACAGTGGCAACCTGGGTCTGCTGCAGCATGACCTCTG[A>G]GACCCACACTGGGGGAAAGGGGTTGGCATGAGGACACTGCTGACCTGCCCCTACCTGGCC-3'
Protein context (NP_001041639.1, residues 95-115): LDRRAYAVWV[Ser105Pro]EVMLQQTQVA